The following is an entry in ClinVar:

ClinVar aggregate classification (germline): Pathogenic. Review status: criteria provided, multiple submitters, no conflicts (2 of 4 stars). 7 submissions from 7 submitters: Pathogenic (6). 1 of the submissions does not count toward it. Last evaluated 2024-11-26.

Conditions:
Inborn genetic diseases. Identifiers: MedGen C0950123, MeSH D030342.
CACNA1A-related disorder. Also called: CACNA1A-related condition.
Episodic ataxia type 2 (EA2). Also called: ACETAZOLAMIDE-RESPONSIVE HEREDITARY PAROXYSMAL CEREBELLAR ATAXIA; ATAXIA, EPISODIC, WITH NYSTAGMUS; ATAXIA, FAMILIAL PAROXYSMAL; CEREBELLAR ATAXIA, PAROXYSMAL, ACETAZOLAMIDE-RESPONSIVE; CEREBELLOPATHY, HEREDITARY PAROXYSMAL; EPISODIC ATAXIA, NYSTAGMUS-ASSOCIATED. Identifiers: Orphanet 97, MedGen C1720416, MONDO:0007163, OMIM 108500.
Spinocerebellar ataxia type 6 (SCA6). Identifiers: Orphanet 98758, MedGen C0752124, MONDO:0008457, OMIM 183086.
Developmental and epileptic encephalopathy, 42 (DEE42A). Also called: DEVELOPMENTAL AND EPILEPTIC ENCEPHALOPATHY 42A; EPILEPTIC ENCEPHALOPATHY, EARLY INFANTILE, 42A; Epileptic encephalopathy, early infantile, 42. Identifiers: MedGen C4310716, MONDO:0014917, OMIM 617106.

Allele frequency attached by ClinVar (database versions not stated): gnomAD exomes below 0.00001.
gnomAD v4.1: 2 of 1,613,872 alleles (0.00012%); highest among the groups gnomAD compares: Non-Finnish European, 0.00017%; no homozygotes.

Submissions (7):

GeneDx
Classification: Pathogenic. Last evaluated: 2024-11-26. Review status: criteria provided, single submitter. Criteria: GeneDx Variant Classification Process June 2021. Collection method: clinical testing. Allele origin: germline. Affected: yes.
Comment: Reported previously using alternate nomenclature Arg1665* in an individual with episodic ataxia and their unaffected mother in published literature (PMID: 20129625); Reported previously using alternate nomenclature Arg1669X in an individual with episodic ataxia and migraines who also harbored a missense variant in the CACNA1A gene and a missense variant in the UBR4 gene (PMID: 29062094); Nonsense variant predicted to result in protein truncation or nonsense mediated decay in a gene for which loss of function is a known mechanism of disease; Published functional studies using alternate nomenclature R1669X suggest that this variant exhibits a dominant negative effect on protein function (PMID: 16306128); Not observed at significant frequency in large population cohorts (gnomAD); This variant is associated with the following publications: (PMID: 25525159, 33057194, 36035117, 35982159, 34758253, 34102571, 33144682, 16306128, 20129625, 29062094)

Labcorp Genetics (formerly Invitae), Labcorp
Classification: Pathogenic for Developmental and epileptic encephalopathy, 42; Episodic ataxia type 2. Last evaluated: 2024-09-10. Review status: criteria provided, single submitter. Criteria: Invitae Variant Classification Sherloc (09022015). Collection method: clinical testing. Allele origin: germline.
Comment: This sequence change creates a premature translational stop signal (p.Arg1664*) in the CACNA1A gene. It is expected to result in an absent or disrupted protein product. Loss-of-function variants in CACNA1A are known to be pathogenic (PMID: 10371528, 19486177, 25735478, 27250579). This variant is not present in population databases (gnomAD no frequency). This premature translational stop signal has been observed in individual(s) with CACNA1A-related conditions (PMID: 29062094). This variant is also known as c.5005C>T (p.Arg1669*). ClinVar contains an entry for this variant (Variation ID: 523785). Algorithms developed to predict the effect of variants on gene product structure and function are not available or were not evaluated for this variant. Experimental studies have shown that this premature translational stop signal affects CACNA1A function (PMID: 16306128). For these reasons, this variant has been classified as Pathogenic.

Blueprint Genetics
Classification: Pathogenic for CACNA1A-related disorders. Last evaluated: 2024-08-16. Review status: criteria provided, single submitter. Criteria: ACMG Guidelines, 2015. Collection method: clinical testing. Allele origin: germline. Affected: yes. Observed: 1 variant allele.

Ambry Genetics
Classification: Pathogenic for Inborn genetic diseases. Last evaluated: 2024-03-28. Review status: criteria provided, single submitter. Criteria: Ambry Variant Classification Scheme 2023. Collection method: clinical testing. Allele origin: germline.
Comment: The c.4990C>T (p.R1664*) alteration, located in exon 32 (coding exon 32) of the CACNA1A gene, consists of a C to T substitution at nucleotide position 4990. This changes the amino acid from a arginine (R) to a stop codon at amino acid position 1664. This alteration is expected to result in loss of function by premature protein truncation or nonsense-mediated mRNA decay. for episodic ataxia type 2; however, its clinical significance for CACNA1A-related neurologic disorder is uncertain, and, it is unlikely to be causative of CACNA1A-related spinocerebellar ataxia This variant was not reported in population-based cohorts in the Genome Aggregation Database (gnomAD). This variant was reported in two individuals with personal history of episodic ataxia, one of which also had a family history of episodic ataxia (Mantuano, 2010; Choi, 2017). Alternate nomenclature (p.Arg1665* and p.Arg1669*) has been reported in the literature. Based on the available evidence, this alteration is classified as pathogenic.

Institute of Human Genetics Munich, TUM University Hospital
Classification: Pathogenic for Episodic ataxia type 2. Last evaluated: 2022-01-18. Review status: criteria provided, single submitter. Criteria: Classification criteria August 2017. Collection method: clinical testing. Allele origin: germline. Inheritance: Autosomal dominant inheritance. Affected: yes. Observed: 1 variant allele.

Revvity Omics, Revvity
Classification: Pathogenic. Last evaluated: 2020-10-02. Review status: criteria provided, single submitter. Criteria: ACMG Guidelines, 2015. Collection method: clinical testing. Allele origin: germline.

Genomics England Pilot Project, Genomics England
Classification: Pathogenic for Spinocerebellar ataxia type 6. Review status: no assertion criteria provided. Criteria: ACGS Guidelines, 2016. Collection method: clinical testing. Allele origin: germline. Affected: yes. Not counted in ClinVar's aggregate classification.

Literature cited by the submitters: PubMed 10371528 (cited by Labcorp Genetics (formerly Invitae), Labcorp); PubMed 19486177 (cited by Labcorp Genetics (formerly Invitae), Labcorp); PubMed 25735478 (cited by Labcorp Genetics (formerly Invitae), Labcorp); PubMed 27250579 (cited by Labcorp Genetics (formerly Invitae), Labcorp); PubMed 29062094 (cited by Labcorp Genetics (formerly Invitae), Labcorp and Ambry Genetics); PubMed 16306128 (cited by Labcorp Genetics (formerly Invitae), Labcorp); PubMed 20129625 (cited by Ambry Genetics).

NM_001127222.2(CACNA1A):c.4987C>T (p.Arg1663Ter)

Gene: CACNA1A (calcium voltage-gated channel subunit alpha1 A; minus strand). Cytogenetic location: 19p13.13.
Variant type: single nucleotide variant.
Coding change: c.4987C>T on transcript NM_001127222.2 (MANE Select); coding-DNA position 4987, C replaced by T.
Protein change: p.Arg1663Ter; replaces arginine 1663 with a stop codon.
Molecular consequence: nonsense.
Genome position (GRCh38, 1-based): chr19:13,235,694, G>A on the plus strand (C>T on the coding strand, the complement: CACNA1A is on the minus strand). VCF-style: chr19-13235694-G-A. GRCh37 (hg19) VCF-style: chr19-13346508-G-A.
Other names: c.5005C>T, p.Arg1669Ter (NM_000068.4, NM_023035.3); c.4990C>T, p.Arg1664Ter (NM_001127221.2); c.4996C>T, p.Arg1666Ter (NM_001174080.2); short protein forms R1664*, R1669*, R1663*, R1666*.
Identifiers: ClinVar variation 523785 (VCV000523785.17), dbSNP rs1555738369, ClinGen allele CA404336960.